The following is an entry in ClinVar:

NM_201596.3(CACNB2):c.1659G>C (p.Glu553Asp)

Gene: CACNB2 (calcium voltage-gated channel auxiliary subunit beta 2; plus strand). Cytogenetic location: 10p12.31.
Variant type: single nucleotide variant.
Coding change: c.1659G>C on transcript NM_201596.3 (MANE Select); coding-DNA position 1659, G replaced by C.
Protein change: p.Glu553Asp; replaces glutamic acid 553 with aspartic acid.
Molecular consequence: missense variant.
Genome position (GRCh38, 1-based): chr10:18,539,400, G>C. VCF-style: chr10-18539400-G-C. GRCh37 (hg19) VCF-style: chr10-18828329-G-C.
Other names: c.1494G>C, p.Glu498Asp (NM_000724.4); c.1461G>C, p.Glu487Asp (NM_001167945.2); c.1380G>C, p.Glu460Asp (NM_001330060.2); c.1401G>C, p.Glu467Asp (NM_001410882.1); c.1515G>C, p.Glu505Asp (NM_201570.3); c.1575G>C, p.Glu525Asp (NM_201571.4); c.1503G>C, p.Glu501Asp (NM_201572.4); c.1497G>C, p.Glu499Asp (NM_201590.3); and 2 more; short protein forms E487D, E525D, E460D, E498D, E499D, E505D, E515D, E529D.
Identifiers: ClinVar variation 2066514 (VCV002066514.3), dbSNP rs770237131, ClinGen allele CA5430121.

ClinVar aggregate classification (germline): Uncertain significance. Review status: criteria provided, multiple submitters, no conflicts (2 of 4 stars). 2 submissions from 2 submitters: Uncertain significance (2). Last evaluated 2025-11-18.

Conditions:
Brugada syndrome 4 (BRGDA4). Identifiers: Orphanet 130, MedGen C2678477, MONDO:0012743, OMIM 611876.

Allele frequency attached by ClinVar (database versions not stated): ExAC 0.00002; gnomAD 0.00002; TOPMed 0.00002; gnomAD exomes 0.00003.
gnomAD v4.1: 52 of 1,613,968 alleles (0.0032%); highest among the groups gnomAD compares: Admixed American, 0.013%; no homozygotes.

Submissions (2):

Women's Health and Genetics/Laboratory Corporation of America, LabCorp
Classification: Uncertain significance. Last evaluated: 2025-11-18. Review status: criteria provided, single submitter. Criteria: LabCorp Variant Classification Summary - May 2015. Collection method: clinical testing. Allele origin: germline.
Comment: Variant summary: CACNB2 c.1497G>C (p.Glu499Asp) results in a conservative amino acid change in the encoded protein sequence. Algorithms developed to predict the effect of missense changes on protein structure and function are either unavailable or do not agree on the potential impact of this missense change. The variant allele was found at a frequency of 2.8e-05 in 251298 control chromosomes. The available data on variant occurrences in the general population are insufficient to allow any conclusion about variant significance. c.1497G>C has been observed in individual(s) affected with Brugada Syndrome (Crotti_2012). These data do not allow any conclusion about variant significance. To our knowledge, no experimental evidence demonstrating an impact on protein function has been reported. The following publication has been ascertained in the context of this evaluation (PMID: 22840528). ClinVar contains an entry for this variant (Variation ID: 2066514). Based on the evidence outlined above, the variant was classified as uncertain significance.

Labcorp Genetics (formerly Invitae), Labcorp
Classification: Uncertain significance for Brugada syndrome 4. Last evaluated: 2025-10-06. Review status: criteria provided, single submitter. Criteria: Invitae Variant Classification Sherloc (09022015). Collection method: clinical testing. Allele origin: germline.
Comment: This sequence change replaces glutamic acid, which is acidic and polar, with aspartic acid, which is acidic and polar, at codon 499 of the CACNB2 protein (p.Glu499Asp). This variant is present in population databases (rs770237131, gnomAD 0.02%). This missense change has been observed in individual(s) with clinical features of Brugada syndrome (PMID: 22840528). ClinVar contains an entry for this variant (Variation ID: 2066514). Invitae Evidence Modeling of protein sequence and biophysical properties (such as structural, functional, and spatial information, amino acid conservation, physicochemical variation, residue mobility, and thermodynamic stability) indicates that this missense variant is not expected to disrupt CACNB2 protein function with a negative predictive value of 80%. In summary, the available evidence is currently insufficient to determine the role of this variant in disease. Therefore, it has been classified as a Variant of Uncertain Significance.

Literature cited by the submitters: PubMed 22840528 (cited by Women's Health and Genetics/Laboratory Corporation of America, LabCorp and Labcorp Genetics (formerly Invitae), Labcorp).